The following is an entry in ClinVar:

ClinVar aggregate classification (germline): Uncertain significance. Review status: criteria provided, multiple submitters, no conflicts (2 of 4 stars). 3 submissions from 3 submitters: Uncertain significance (3). Last evaluated 2025-12-01.

Conditions:
Obesity due to prohormone convertase I deficiency. Also called: OBESITY AND ENDOCRINOPATHY DUE TO IMPAIRED PROCESSING OF PROHORMONES. Identifiers: Orphanet 71528, MedGen C1833053, MONDO:0010961, OMIM 600955.
PCSK1-related disorder. Also called: PCSK1-related condition.

gnomAD v4.1: 2 of 1,613,930 alleles (0.00012%); highest among the groups gnomAD compares: Non-Finnish European, 0.00017%; no homozygotes.

Submissions (3):

PreventionGenetics, part of Exact Sciences
Classification: Uncertain significance for PCSK1-related condition. Last evaluated: 2025-12-01. Review status: criteria provided, single submitter. Criteria: ACMG Guidelines, 2015. Collection method: clinical testing. Allele origin: germline.
Comment: The PCSK1 c.1214G>A variant is predicted to result in the amino acid substitution p.Arg405Gln. To our knowledge, this variant has not been reported in the literature or in a large population database (gnomAD), indicating this variant is rare. At this time, the clinical significance of this variant is uncertain due to the absence of conclusive functional and genetic evidence.

Genomic Medicine Center of Excellence, King Faisal Specialist Hospital and Research Centre
Classification: Uncertain significance for Obesity due to prohormone convertase I deficiency. Last evaluated: 2024-04-04. Review status: criteria provided, single submitter. Criteria: ACMG Guidelines, 2015. Collection method: clinical testing. Allele origin: germline.

GeneDx
Classification: Uncertain significance. Last evaluated: 2021-04-19. Review status: criteria provided, single submitter. Criteria: GeneDx Variant Classification Process June 2021. Collection method: clinical testing. Allele origin: germline. Affected: yes.
Comment: Not observed in large population cohorts (Lek et al., 2016); In silico analysis supports that this missense variant has a deleterious effect on protein structure/function; Has not been previously published as pathogenic or benign to our knowledge

NM_000439.5(PCSK1):c.1214G>A (p.Arg405Gln)

Genes: CAST (calpastatin; plus strand), PCSK1 (proprotein convertase subtilisin/kexin type 1; minus strand), LOC101929710 (uncharacterized LOC101929710; plus strand). Cytogenetic location: 5q15.
Variant type: single nucleotide variant.
Coding change: c.1214G>A on transcript NM_000439.5 (MANE Select); coding-DNA position 1214, G replaced by A.
Protein change: p.Arg405Gln; replaces arginine 405 with glutamine.
Molecular consequence: missense variant.
Genome position (GRCh38, 1-based): chr5:96,400,169, C>T on the plus strand (G>A on the coding strand, the complement: PCSK1 is on the minus strand). VCF-style: chr5-96400169-C-T. GRCh37 (hg19) VCF-style: chr5-95735873-C-T.
Other names: c.1073G>A, p.Arg358Gln (NM_001177875.2); short protein forms R358Q, R405Q.
Identifiers: ClinVar variation 1314682 (VCV001314682.4), dbSNP rs2112399256, ClinGen allele CA360479870.